The following is an entry in ClinVar:

ClinVar aggregate classification (germline): Uncertain significance (1 of 4 stars; one submission).

Conditions:
Fetal akinesia deformation sequence 1 (FADS1). Also called: Pena-Shokeir syndrome type I; Fetal akinesia sequence. Identifiers: Orphanet 994, MedGen C1276035, MONDO:0100101, OMIM 208150, HP:0001989.
Congenital myasthenic syndrome 10. Also called: Myasthenia, limb-girdle, familial. Identifiers: Orphanet 590, MedGen C1850792, MONDO:0009690, OMIM 254300.

Allele frequency attached by ClinVar (database versions not stated): TOPMed below 0.00001; gnomAD exomes 0.00001.
gnomAD v4.1: 3 of 1,599,846 alleles (0.00019%); highest among the groups gnomAD compares: Non-Finnish European, 0.00026%; no homozygotes.

Submission:

Labcorp Genetics (formerly Invitae), Labcorp
Classification: Uncertain significance for Congenital myasthenic syndrome 10; Fetal akinesia deformation sequence 1. Last evaluated: 2022-03-08. Review status: criteria provided, single submitter. Criteria: Invitae Variant Classification Sherloc (09022015). Collection method: clinical testing. Allele origin: germline.
Comment: This sequence change replaces serine, which is neutral and polar, with asparagine, which is neutral and polar, at codon 384 of the DOK7 protein (p.Ser384Asn). This variant is not present in population databases (gnomAD no frequency). This variant has not been reported in the literature in individuals affected with DOK7-related conditions. Algorithms developed to predict the effect of missense changes on protein structure and function (SIFT, PolyPhen-2, Align-GVGD) all suggest that this variant is likely to be tolerated. In summary, the available evidence is currently insufficient to determine the role of this variant in disease. Therefore, it has been classified as a Variant of Uncertain Significance.

NM_173660.5(DOK7):c.1151G>A (p.Ser384Asn)

Gene: DOK7 (docking protein 7; plus strand). Cytogenetic location: 4p16.3.
Variant type: single nucleotide variant.
Coding change: c.1151G>A on transcript NM_173660.5 (MANE Select); coding-DNA position 1151, G replaced by A.
Protein change: p.Ser384Asn; replaces serine 384 with asparagine.
Molecular consequence: missense variant. On other transcripts: 3 prime UTR variant (1).
Genome position (GRCh38, 1-based): chr4:3,493,137, G>A. VCF-style: chr4-3493137-G-A. GRCh37 (hg19) VCF-style: chr4-3494864-G-A.
Other names: c.*372G>A (NM_001164673.2); c.221G>A, p.Ser74Asn (NM_001256896.2); c.1151G>A, p.Ser384Asn (NM_001301071.2); c.719G>A, p.Ser240Asn (NM_001363811.2); short protein forms S240N, S384N, S74N.
Identifiers: ClinVar variation 1468253 (VCV001468253.3), dbSNP rs1728632467, ClinGen allele CA356117448.